The following is an entry in ClinVar:

ClinVar aggregate classification (germline): Pathogenic. Review status: criteria provided, multiple submitters, no conflicts (2 of 4 stars). 2 submissions from 2 submitters: Pathogenic (2). Last evaluated 2022-11-10.

Conditions:
Hajdu-Cheney syndrome (HJCYS). Also called: SERPENTINE FIBULA-POLYCYSTIC KIDNEY SYNDROME; Acroosteolysis dominant type; ACROOSTEOLYSIS WITH OSTEOPOROSIS AND CHANGES IN SKULL AND MANDIBLE. Identifiers: Orphanet 955, MedGen C0917715, MONDO:0007057, OMIM 102500.

Submissions (2):

Labcorp Genetics (formerly Invitae), Labcorp
Classification: Pathogenic for Hajdu-Cheney syndrome. Last evaluated: 2022-11-10. Review status: criteria provided, single submitter. Criteria: Invitae Variant Classification Sherloc (09022015). Collection method: clinical testing. Allele origin: germline.
Comment: For these reasons, this variant has been classified as Pathogenic. This sequence change creates a premature translational stop signal (p.Gln2223*) in the NOTCH2 gene. While this is not anticipated to result in nonsense mediated decay, it is expected to disrupt the last 249 amino acid(s) of the NOTCH2 protein. This variant is not present in population databases (gnomAD no frequency). This premature translational stop signal has been observed in individuals with NOTCH2-related conditions (PMID: 21681853, 26184537, 27592446). This variant disrupts a region of the NOTCH2 protein in which other variant(s) (p.Ile2304Hisfs*9) have been determined to be pathogenic (PMID: 27312922). This suggests that this is a clinically significant region of the protein, and that variants that disrupt it are likely to be disease-causing.

Victorian Clinical Genetics Services, Murdoch Childrens Research Institute
Classification: Pathogenic for Hajdu-Cheney syndrome. Last evaluated: 2020-05-21. Review status: criteria provided, single submitter. Criteria: ACMG Guidelines, 2015. Collection method: clinical testing. Allele origin: germline. Inheritance: Autosomal dominant inheritance.
Comment: Based on the classification scheme VCGS_Germline_v1.1.1, this variant is classified as Pathogenic. Following criteria are met: 0103 - Both loss- and gain-of-function are known mechanisms of disease for this gene. The first has been associated with missense and variants predicted to result in nonsense mediated decay (NMD) in patients with Alagille syndrome, whereas the latter has been associated with truncating variants in the last exon causing Hajdu-Cheney syndrome (PMID: 28512196). (N) 0107 - This gene is known to be associated with autosomal dominant disease. (N) 0205 - Variant is predicted to result in a truncated protein with less than 1/3 of the protein affected. (P) 0251 - Variant is heterozygous. (N) 0301 - Variant is absent from gnomAD. (P) 0601 - Variant affects at least one well-established (essential) functional domain or motif. Truncation will result in loss of the PEST domain, which is predicted to result in gain-of-function via persistence of the NOTCH2 intracellular signal (PMID: 28512196). (P) 0701 - Comparable variants have very strong previous evidence for pathogenicity. More than ten truncating variants downstream have been reported pathogenic (ClinVar; Decipher). (P) 0802 - Moderate previous evidence of pathogenicity in unrelated individuals. This variant has been reported in at least three unrelated patients with Hajdu-Cheney syndrome (PMID: 27592446; PMID: 21681853; PMID: 26184537). (P) 0905 - No segregation evidence has been identified for this variant. (N) 1007 - No published functional evidence has been identified for this variant. (N) 1208 – Inheritance information for this variant is not currently available. (N) Legend: (P) - Pathogenic, (N) - Neutral, (B) - Benign

Literature cited by the submitters: PubMed 21681853 (cited by Labcorp Genetics (formerly Invitae), Labcorp and Victorian Clinical Genetics Services, Murdoch Childrens Research Institute); PubMed 26184537 (cited by Labcorp Genetics (formerly Invitae), Labcorp and Victorian Clinical Genetics Services, Murdoch Childrens Research Institute); PubMed 27592446 (cited by Labcorp Genetics (formerly Invitae), Labcorp and Victorian Clinical Genetics Services, Murdoch Childrens Research Institute); PubMed 27312922 (cited by Labcorp Genetics (formerly Invitae), Labcorp); PubMed 28512196 (cited by Victorian Clinical Genetics Services, Murdoch Childrens Research Institute).

NM_024408.4(NOTCH2):c.6667C>T (p.Gln2223Ter)

Gene: NOTCH2 (notch receptor 2; minus strand). Cytogenetic location: 1p12.
Variant type: single nucleotide variant.
Coding change: c.6667C>T on transcript NM_024408.4 (MANE Select); coding-DNA position 6667, C replaced by T.
Protein change: p.Gln2223Ter; replaces glutamine 2223 with a stop codon.
Molecular consequence: nonsense.
Genome position (GRCh38, 1-based): chr1:119,916,055, G>A on the plus strand (C>T on the coding strand, the complement: NOTCH2 is on the minus strand). VCF-style: chr1-119916055-G-A. GRCh37 (hg19) VCF-style: chr1-120458678-G-A.
Other names: short protein forms Q2223*.
Identifiers: ClinVar variation 1805545 (VCV001805545.4), dbSNP rs2526105966, ClinGen allele CA341876796.
Genomic context (GRCh38, chr1:119,916,055, plus strand): 5'-TACTCAAGCTTCCAGCACTGCCACTGCCTGGAGACACAATGTGGTGGTGGGATAGCAACT[G>A]GCTCACTGAGGGAAGCACAGTGCTGGCCCCATGTGCCAAAGGCTGCATTTCATGAAGGTT-3'